The following is an entry in ClinVar:

NM_001165963.4(SCN1A):c.4493T>A (p.Ile1498Asn)

Genes: SCN1A (sodium voltage-gated channel alpha subunit 1; minus strand), LOC102724058 (uncharacterized LOC102724058; plus strand). Cytogenetic location: 2q24.3.
Variant type: single nucleotide variant.
Coding change: c.4493T>A on transcript NM_001165963.4 (MANE Select); coding-DNA position 4493, T replaced by A.
Protein change: p.Ile1498Asn; replaces isoleucine 1498 with asparagine.
Molecular consequence: missense variant. On other transcripts: non-coding transcript variant (1).
Genome position (GRCh38, 1-based): chr2:165,996,101, A>T on the plus strand (T>A on the coding strand, the complement: SCN1A is on the minus strand). VCF-style: chr2-165996101-A-T. GRCh37 (hg19) VCF-style: chr2-166852611-A-T.
Other names: c.4409T>A, p.Ile1470Asn (NM_001165964.3, NM_001353957.2, NM_001353958.2); c.4493T>A, p.Ile1498Asn (NM_001202435.3, NM_001353948.2); c.4460T>A, p.Ile1487Asn (NM_001353949.2, NM_001353950.2, NM_001353951.2 and 2 more transcripts); c.4457T>A, p.Ile1486Asn (NM_001353954.2, NM_001353955.2); c.4406T>A, p.Ile1469Asn (NM_001353960.2); c.2051T>A, p.Ile684Asn (NM_001353961.2); short protein forms I1487N, I1498N, I1486N, I1469N, I1470N, I684N.
Identifiers: ClinVar variation 206833 (VCV000206833.2), dbSNP rs796053017, ClinGen allele CA317477.
Genomic context (GRCh38, chr2:165,996,101, plus strand): 5'-TTTTTCGATCCTAATTTTTTCATTGCATTATAGTATTTCTTCTGTTCTTCTGTCATAAAG[A>T]TGTCTTGACCTCCAAAGTATAGAAAAGAAAAATCAAACTGGTTAAAACTGTGTCCTTTTG-3'
Protein context (NP_001159435.1, residues 1488-1508): QQKKKFGGQD[Ile1498Asn]FMTEEQKKYY

ClinVar aggregate classification (germline): Likely pathogenic (1 of 4 stars; one submission).

Submission:

GeneDx
Classification: Likely pathogenic. Last evaluated: 2017-02-10. Review status: criteria provided, single submitter. Criteria: GeneDx Variant Classification (06012015). Collection method: clinical testing. Allele origin: germline. Affected: yes.
Comment: The Ile1498Asn missense change has not been published as a pathogenic variant, nor has it been reported as a benign polymorphism to our knowledge. It was not observed in approximately 6,500 individuals of European and African American ancestry in the NHLBI Exome Sequencing Project, indicating it is not a common benign variant in these populations. This variant is a non-conservative amino acid substitution of a non-polar Isoleucine residue with a polar Asparagine residue. Ile1498Asn alters a conserved position in the intracellular loop between the third and fourth transmembrane domains of the SCN1A protein and other missense variants have been reported in this region of the protein in association with SCN1A-related disorders. In addition, in silico analysis predicts this variant is probably damaging to the protein structure/function. Therefore, based on the currently available information, Ile1498Asn is a strong candidate for a disease-causing variant, although the possibility that it is a benign variant cannot be excluded.